The following is an entry in ClinVar:

NM_000059.4(BRCA2):c.7008-1_7435+372del

Gene: BRCA2 (BRCA2 DNA repair associated; plus strand). Cytogenetic location: 13q13.1.
Variant type: Deletion.
Coding change: c.7008-1_7435+372del on transcript NM_000059.4 (MANE Select); the canonical splice acceptor site of the intron before coding-DNA position 7008 through 372 bases into the intron after coding-DNA position 7435, 801 bases deleted.
Molecular consequence: splice acceptor variant, splice donor variant.
Genome position (GRCh38, 1-based): chr13:32,354,860-32,355,660, 801 bases deleted. GRCh37 (hg19): chr13:32,928,997-32,929,797.
Identifiers: ClinVar variation 1050037 (VCV001050037.2), dbSNP rs2137555065, ClinGen allele CA2499222270.

ClinVar aggregate classification (germline): Likely pathogenic (0 of 4 stars; one submission).

Conditions:
Malignant tumor of breast. Also called: Malignant breast neoplasm; Cancer breast. Identifiers: MedGen C0006142, MONDO:0007254. Disease mechanism: loss of function.

Submission:

Department of Pathology and Laboratory Medicine, Sinai Health System
Classification: Likely pathogenic for Malignant tumor of breast. Review status: no assertion criteria provided. Collection method: clinical testing. Allele origin: unknown. Affected: yes. Observed: 1 variant allele. Study: The Canadian Open Genetics Repository (COGR).
Comment: The c.7008-?_7805+?del variant (chr13.hg18.g.31827123-?_31830055+?del) results in a deletion of exons 14 to 16, although the precise breakpoints of this deletion were not determined, nor were the effects of this variant on the resulting mRNA or protein product determined. This variant is an in-frame deletion resulting in the removal of amino acids from codon 2337 to 2602; the impact of this alteration on BRCA2 protein function is not known. The variant was identified in 1 of 4038 proband chromosomes (frequency: 0.0002) from individuals with prostate cancer, in a retrospective study of prostate cancer outcomes in patients with germline BRCA1 or BRCA2 variants (Castro 2013). The variant was identified in UMD (1X as causal), but was not identified in the dbSNP, NHLBI Exome Sequencing Project (Exome Variant Server), Exome Aggregation Consortium (ExAC), HGMD, Fanconi Anemia Mutation Database (LOVD), COSMIC, ClinVar, Clinvitae, ARUP Laboratories BRCA Mutations Database, GeneInsight COGR, or BIC. In summary, based on the above information, the clinical significance of this variant cannot be determined with certainty at this time although we would lean towards a pathogenic role for this variant. This variant is classified as likely pathogenic.